The following is an entry in ClinVar:

ClinVar aggregate classification (germline): Uncertain significance (1 of 4 stars; one submission).

Submission:

Labcorp Genetics (formerly Invitae), Labcorp
Classification: Uncertain significance. Last evaluated: 2021-08-26. Review status: criteria provided, single submitter. Criteria: Invitae Variant Classification Sherloc (09022015). Collection method: clinical testing. Allele origin: germline.
Comment: This sequence change replaces histidine with aspartic acid at codon 32 of the TSFM protein (p.His32Asp). The histidine residue is weakly conserved and there is a moderate physicochemical difference between histidine and aspartic acid. This variant is not present in population databases (ExAC no frequency). This variant has not been reported in the literature in individuals affected with TSFM-related conditions. Algorithms developed to predict the effect of missense changes on protein structure and function (SIFT, PolyPhen-2, Align-GVGD) all suggest that this variant is likely to be tolerated. In summary, the available evidence is currently insufficient to determine the role of this variant in disease. Therefore, it has been classified as a Variant of Uncertain Significance.

NM_005726.6(TSFM):c.94C>G (p.His32Asp)

Gene: TSFM (Ts translation elongation factor, mitochondrial; plus strand). Cytogenetic location: 12q14.1.
Variant type: single nucleotide variant.
Coding change: c.94C>G on transcript NM_005726.6 (MANE Select); coding-DNA position 94, C replaced by G.
Protein change: p.His32Asp; replaces histidine 32 with aspartic acid.
Molecular consequence: missense variant.
Genome position (GRCh38, 1-based): chr12:57,783,146, C>G. VCF-style: chr12-57783146-C-G. GRCh37 (hg19) VCF-style: chr12-58176929-C-G.
Other names: c.94C>G, p.His32Asp (NM_001172695.2, NM_001172696.2, NM_001172697.2); short protein forms H32D.
Identifiers: ClinVar variation 1511699 (VCV001511699.5), dbSNP rs1595133955, ClinGen allele CA385523365.